The following is an entry in ClinVar:

NM_080916.3(DGUOK):c.256-6C>T

Gene: DGUOK (deoxyguanosine kinase; plus strand). Cytogenetic location: 2p13.1.
Variant type: single nucleotide variant.
Coding change: c.256-6C>T on transcript NM_080916.3 (MANE Select); 6 bases into the intron before coding-DNA position 256, C replaced by T.
Molecular consequence: intron variant.
Genome position (GRCh38, 1-based): chr2:73,946,713, C>T. VCF-style: chr2-73946713-C-T. GRCh37 (hg19) VCF-style: chr2-74173840-C-T.
Other names: c.256-6C>T (NM_080916.2, NM_080918.3, NM_001318859.2); c.-36-6C>T (NM_001318861.2, NM_001318862.2, NM_001318860.2 and 1 more transcripts).
Identifiers: ClinVar variation 595486 (VCV000595486.10), dbSNP rs568816337, ClinGen allele CA1718218.

ClinVar aggregate classification (germline): Conflicting classifications of pathogenicity. Review status: criteria provided, conflicting classifications (1 of 4 stars). 3 submissions from 3 submitters: Uncertain significance (1); Likely benign (1). 1 of the submissions does not count toward it. Last evaluated 2024-01-04.

Conditions:
DGUOK-related disorder. Also called: DGUOK-related condition.

Allele frequency attached by ClinVar (database versions not stated): gnomAD 0.00001; gnomAD exomes 0.00001 and 0.00002; ExAC 0.00002; 1000 Genomes Project 30x 0.00016; 1000 Genomes Project 0.00020.
gnomAD v4.1: 10 of 1,613,994 alleles (0.00062%); highest among the groups gnomAD compares: South Asian, 0.0099%; no homozygotes.

Submissions (3):

Labcorp Genetics (formerly Invitae), Labcorp
Classification: Likely benign. Last evaluated: 2024-01-04. Review status: criteria provided, single submitter. Criteria: Invitae Variant Classification Sherloc (09022015). Collection method: clinical testing. Allele origin: germline.

Eurofins Ntd Llc (ga)
Classification: Uncertain significance. Last evaluated: 2017-12-21. Review status: criteria provided, single submitter. Criteria: EGL Classification Definitions 2015. Collection method: clinical testing. Allele origin: germline. Observed: 1 variant allele, 1 heterozygote.

PreventionGenetics, part of Exact Sciences
Classification: Likely benign for DGUOK-related condition. Last evaluated: 2022-07-28. Review status: no assertion criteria provided. Collection method: clinical testing. Allele origin: germline. Not counted in ClinVar's aggregate classification.
Comment: This variant is classified as likely benign based on ACMG/AMP sequence variant interpretation guidelines (Richards et al. 2015 PMID: 25741868, with internal and published modifications).